The following is an entry in ClinVar:

ClinVar aggregate classification (germline): Pathogenic/Likely pathogenic. Review status: criteria provided, multiple submitters, no conflicts (2 of 4 stars). 3 submissions from 3 submitters: Pathogenic (1); Likely pathogenic (2). Last evaluated 2023-10-09.

Conditions:
CR2-related disorder. Also called: CR2-related disorders; CR2-related condition.
Immunodeficiency, common variable, 7. Identifiers: Orphanet 1572, Orphanet 696894, MedGen C3542922, MONDO:0013862, OMIM 614699.

Submissions (3):

PreventionGenetics, part of Exact Sciences
Classification: Likely pathogenic for CR2-related condition. Last evaluated: 2023-10-09. Review status: criteria provided, single submitter. Criteria: ACMG Guidelines, 2015. Collection method: clinical testing. Allele origin: germline.
Comment: The CR2 c.623_624delCC variant is predicted to result in a frameshift and premature protein termination (p.Pro208Hisfs*3). To our knowledge, this variant has not been reported in the literature. This variant is reported in 0.0033% of alleles in individuals of South Asian descent in gnomAD. Frameshift variants in CR2 are expected to be pathogenic. This variant is interpreted as likely pathogenic.

Genome-Nilou Lab
Classification: Likely pathogenic for Immunodeficiency, common variable, 7. Last evaluated: 2023-04-11. Review status: criteria provided, single submitter. Criteria: ACMG Guidelines, 2015. Collection method: clinical testing. Allele origin: germline. Affected: no.

Labcorp Genetics (formerly Invitae), Labcorp
Classification: Pathogenic for Immunodeficiency, common variable, 7. Last evaluated: 2022-10-03. Review status: criteria provided, single submitter. Criteria: Invitae Variant Classification Sherloc (09022015). Collection method: clinical testing. Allele origin: germline.
Comment: For these reasons, this variant has been classified as Pathogenic. ClinVar contains an entry for this variant (Variation ID: 1005385). This variant has not been reported in the literature in individuals affected with CR2-related conditions. This variant is not present in population databases (gnomAD no frequency). This sequence change creates a premature translational stop signal (p.Pro208Hisfs*3) in the CR2 gene. It is expected to result in an absent or disrupted protein product. Loss-of-function variants in CR2 are known to be pathogenic (PMID: 26325596, 28499783).

Literature cited by the submitters: PubMed 26325596 (cited by Labcorp Genetics (formerly Invitae), Labcorp); PubMed 28499783 (cited by Labcorp Genetics (formerly Invitae), Labcorp).

NM_001006658.3(CR2):c.623_624del (p.Pro208fs)

Gene: CR2 (complement C3d receptor 2; plus strand). Cytogenetic location: 1q32.2.
Variant type: Deletion.
Coding change: c.623_624del on transcript NM_001006658.3 (MANE Select); coding-DNA positions 623 to 624, 2 bases deleted (CC; older notation c.623_624delCC).
Protein change: p.Pro208fs; shifts the reading frame from proline 208.
Molecular consequence: frameshift variant.
Genome position (GRCh38, 1-based): chr1:207,468,704-207,468,705, CC deleted; deleting any 2 consecutive bases within chr1:207,468,699-207,468,705 gives the same sequence; the c. name uses the placement nearest the transcript's 3' end. VCF-style (leftmost placement, unchanged base first): chr1-207468698-TCC-T. GRCh37 (hg19) VCF-style: chr1-207642043-TCC-T.
Other names: c.623_624del, p.Pro208fs (NM_001877.5); c.623_624delCC (NM_001006658.2); short protein forms P208fs.
Identifiers: ClinVar variation 1005385 (VCV001005385.7), dbSNP rs747832403, ClinGen allele CA1368470.